The following is an entry in ClinVar:

NM_001350605.2(SRSF11):c.498C>G (p.Ala166=)

Gene: SRSF11 (serine and arginine rich splicing factor 11; plus strand). Cytogenetic location: 1p31.1.
Variant type: single nucleotide variant.
Coding change: c.498C>G on transcript NM_001350605.2 (MANE Select); coding-DNA position 498, C replaced by G.
Protein change: p.Ala166=; no amino-acid change (alanine 166 retained).
Molecular consequence: synonymous variant. On other transcripts: 5 prime UTR variant (7), non-coding transcript variant (1).
Genome position (GRCh38, 1-based): chr1:70,234,746, C>G. VCF-style: chr1-70234746-C-G. GRCh37 (hg19) VCF-style: chr1-70700429-C-G.
Other names: c.498C>G, p.Ala166= (NM_001190987.3, NM_001350606.2, NM_001350607.2 and 8 more transcripts); c.-73C>G (NM_001350610.2, NM_001350611.2, NM_001350612.2 and 4 more transcripts); c.531C>G, p.Ala177= (NM_001394402.1, NM_001394403.1).
Identifiers: ClinVar variation 3040669 (VCV003040669.2), dbSNP rs372180100, ClinGen allele CA905158.
Genomic context (GRCh38, chr1:70,234,746, plus strand): 5'-CATTTCACAGATTGGCGCTGTTCCACTGGCTGCTTTGGGGGCTCCTACTCTTGATCCTGC[C>G]CTTGCTGCACTTGGGCTTCCTGGAGCAAACTTGAACTCTCAGGTATACCTTAGTAACTTC-3'
Protein context (NP_001337534.1, residues 156-176): AALGAPTLDP[Ala166=]LAALGLPGAN

ClinVar aggregate classification (germline): Likely benign (0 of 4 stars; one submission).

Conditions:
SRSF11-related disorder. Also called: SRSF11-related condition.

Allele frequency attached by ClinVar (database versions not stated): gnomAD exomes below 0.00001; ExAC 0.00002; gnomAD 0.00006; TOPMed 0.00006.
gnomAD v4.1: 38 of 1,610,650 alleles (0.0024%); highest among the groups gnomAD compares: African/African-American, 0.012%; no homozygotes.

Submission:

PreventionGenetics, part of Exact Sciences
Classification: Likely benign for SRSF11-related condition. Last evaluated: 2019-02-20. Review status: no assertion criteria provided. Collection method: clinical testing. Allele origin: germline.
Comment: This variant is classified as likely benign based on ACMG/AMP sequence variant interpretation guidelines (Richards et al. 2015 PMID: 25741868, with internal and published modifications).